The following is an entry in ClinVar:

NM_015275.3(WASHC4):c.1427T>C (p.Leu476Ser)

Gene: WASHC4 (WASH complex subunit 4; plus strand). Cytogenetic location: 12q23.3.
Variant type: single nucleotide variant.
Coding change: c.1427T>C on transcript NM_015275.3 (MANE Select); coding-DNA position 1427, T replaced by C.
Protein change: p.Leu476Ser; replaces leucine 476 with serine.
Molecular consequence: missense variant.
Genome position (GRCh38, 1-based): chr12:105,137,986, T>C. VCF-style: chr12-105137986-T-C. GRCh37 (hg19) VCF-style: chr12-105531764-T-C.
Other names: c.1430T>C, p.Leu477Ser (NM_001293640.2); short protein forms L476S, L477S.
Identifiers: ClinVar variation 4755859 (VCV004755859.1).

ClinVar aggregate classification (germline): Uncertain significance (1 of 4 stars; one submission).

Submission:

GeneDx
Classification: Uncertain significance. Last evaluated: 2025-08-03. Review status: criteria provided, single submitter. Criteria: GeneDx Variant Classification Process June 2021. Collection method: clinical testing. Allele origin: germline. Affected: yes.
Comment: Not observed at significant frequency in large population cohorts (gnomAD); In silico analysis supports that this missense variant has a deleterious effect on protein structure/function; Has not been previously published as pathogenic or benign to our knowledge